The following is an entry in ClinVar:

NM_000548.5(TSC2):c.2683A>G (p.Met895Val)

Gene: TSC2 (TSC complex subunit 2; plus strand). Cytogenetic location: 16p13.3.
Variant type: single nucleotide variant.
Coding change: c.2683A>G on transcript NM_000548.5 (MANE Select); coding-DNA position 2683, A replaced by G.
Protein change: p.Met895Val; replaces methionine 895 with valine.
Molecular consequence: missense variant.
Genome position (GRCh38, 1-based): chr16:2,076,111, A>G. VCF-style: chr16-2076111-A-G. GRCh37 (hg19) VCF-style: chr16-2126112-A-G.
Other names: c.2683A>G, p.Met895Val (NM_001077183.3, NM_001114382.3, NM_001363528.2 and 3 more transcripts); c.2572A>G, p.Met858Val (NM_001318827.2); c.2536A>G, p.Met846Val (NM_001318829.2); c.2083A>G, p.Met695Val (NM_001318831.2); c.2716A>G, p.Met906Val (NM_001318832.2); short protein forms M895V, M695V, M846V, M858V, M906V.
Identifiers: ClinVar variation 50091 (VCV000050091.9), dbSNP rs45470695, ClinGen allele CA017875.
Genomic context (GRCh38, chr16:2,076,111, plus strand): 5'-CCCCCTTCTCATCTCAGGTTTAATCAGTACATCGTGTGTCTGGCCCATCACGTCATAGCC[A>G]TGTGGTTCATCAGGTGCCGCCTGCCCTTCCGGAAGGATTTTGTCCCTTTCATCACTAAGG-3'
Protein context (NP_000539.2, residues 885-905): IVCLAHHVIA[Met895Val]WFIRCRLPFR

ClinVar aggregate classification (germline): Uncertain significance. Review status: criteria provided, multiple submitters, no conflicts (2 of 4 stars). 3 submissions from 3 submitters: Uncertain significance (2). 1 of the submissions does not count toward it. Last evaluated 2024-12-15.

Conditions:
Hereditary cancer-predisposing syndrome. Also called: Neoplastic Syndromes, Hereditary; Tumor predisposition; Hereditary Cancer Syndrome; Hereditary neoplastic syndrome. Identifiers: Orphanet 140162, MedGen C0027672, MeSH D009386, MONDO:0015356.
Tuberous sclerosis 2 (TSC2). Identifiers: Orphanet 805, MedGen C1860707, MONDO:0013199, OMIM 613254.
Tuberous sclerosis syndrome (TSC). Also called: Tuberous Sclerosis Complex; Tuberous sclerosis. Identifiers: Orphanet 805, MedGen C0041341, MONDO:0001734.

Allele frequency attached by ClinVar (database versions not stated): gnomAD exomes below 0.00001.
gnomAD v4.1: 1 of 1,613,766 alleles (0.000062%); highest among the groups gnomAD compares: Non-Finnish European, 0.000085%; no homozygotes.

Submissions (3):

Labcorp Genetics (formerly Invitae), Labcorp
Classification: Uncertain significance for Tuberous sclerosis 2. Last evaluated: 2024-12-15. Review status: criteria provided, single submitter. Criteria: Invitae Variant Classification Sherloc (09022015). Collection method: clinical testing. Allele origin: germline.
Comment: This sequence change replaces methionine, which is neutral and non-polar, with valine, which is neutral and non-polar, at codon 895 of the TSC2 protein (p.Met895Val). This variant is not present in population databases (gnomAD no frequency). This missense change has been observed in individuals with clinical features of tuberous sclerosis complex (PMID: 10533067, 32917966). ClinVar contains an entry for this variant (Variation ID: 50091). Invitae Evidence Modeling of protein sequence and biophysical properties (such as structural, functional, and spatial information, amino acid conservation, physicochemical variation, residue mobility, and thermodynamic stability) indicates that this missense variant is not expected to disrupt TSC2 protein function with a negative predictive value of 95%. In summary, the available evidence is currently insufficient to determine the role of this variant in disease. Therefore, it has been classified as a Variant of Uncertain Significance.

Ambry Genetics
Classification: Uncertain significance for Hereditary cancer-predisposing syndrome. Last evaluated: 2022-07-14. Review status: criteria provided, single submitter. Criteria: Ambry Variant Classification Scheme 2023. Collection method: clinical testing. Allele origin: germline.
Comment: The p.M895V variant (also known as c.2683A>G), located in coding exon 23 of the TSC2 gene, results from an A to G substitution at nucleotide position 2683. The methionine at codon 895 is replaced by valine, an amino acid with highly similar properties. In one study, this alteration was identified in 1/126 unrelated patients with a clinical diagnosis of Tuberous Sclerosis (Niida Y et al. Hum Mutat, 1999;14:412-22). This alteration was also identified in an individual with cortical dysplasias and epilepsy (Meng Y et al. J Hum Genet, 2021 Mar;66:227-236). This amino acid position is highly conserved in available vertebrate species. In addition, this alteration is predicted to be deleterious by in silico analysis. Since supporting evidence is limited at this time, the clinical significance of this alteration remains unclear.

Tuberous sclerosis database (TSC2)
No classification provided. Condition: TSC. Review status: no classification provided. Criteria: Tuberous Sclerosis Database Assertion Criteria 2015. Collection method: curation. Allele origin: germline. Affected: yes. Not counted in ClinVar's aggregate classification.

Literature cited by the submitters: PubMed 10533067 (cited by Labcorp Genetics (formerly Invitae), Labcorp and Ambry Genetics); PubMed 32917966 (cited by Labcorp Genetics (formerly Invitae), Labcorp and Ambry Genetics).